The following is an entry in ClinVar:

ClinVar aggregate classification (germline): Uncertain significance. Review status: criteria provided, multiple submitters, no conflicts (2 of 4 stars). 2 submissions from 2 submitters: Uncertain significance (2). Last evaluated 2024-09-26.

Conditions:
Familial adenomatous polyposis 1 (FAP1). Also called: FAMILIAL ADENOMATOUS POLYPOSIS 1, ATTENUATED; POLYPOSIS, ADENOMATOUS INTESTINAL. Identifiers: MedGen C2713442, MONDO:0021056, OMIM 175100. Disease mechanism: loss of function.
Hereditary cancer-predisposing syndrome. Also called: Hereditary Cancer Syndrome; Tumor predisposition; Hereditary neoplastic syndrome; Neoplastic Syndromes, Hereditary. Identifiers: Orphanet 140162, MedGen C0027672, MeSH D009386, MONDO:0015356.

Submissions (2):

Ambry Genetics
Classification: Uncertain significance for Hereditary cancer-predisposing syndrome. Last evaluated: 2024-09-26. Review status: criteria provided, single submitter. Criteria: Ambry Variant Classification Scheme 2023. Collection method: clinical testing. Allele origin: germline.
Comment: The p.P1432R variant (also known as c.4295C>G), located in coding exon 15 of the APC gene, results from a C to G substitution at nucleotide position 4295. The proline at codon 1432 is replaced by arginine, an amino acid with dissimilar properties. This amino acid position is conserved. In addition, in silico predictors for this gene do not accurately predict pathogenicity. Based on the available evidence, the clinical significance of this variant remains unclear.

Labcorp Genetics (formerly Invitae), Labcorp
Classification: Uncertain significance for Familial adenomatous polyposis 1. Last evaluated: 2020-02-20. Review status: criteria provided, single submitter. Criteria: Invitae Variant Classification Sherloc (09022015). Collection method: clinical testing. Allele origin: germline.
Comment: This sequence change replaces proline with arginine at codon 1432 of the APC protein (p.Pro1432Arg). The proline residue is highly conserved and there is a moderate physicochemical difference between proline and arginine. This variant is not present in population databases (ExAC no frequency). This variant has not been reported in the literature in individuals with APC-related conditions. Algorithms developed to predict the effect of missense changes on protein structure and function are either unavailable or do not agree on the potential impact of this missense change (SIFT: "Deleterious"; PolyPhen-2: "Probably Damaging"; Align-GVGD: "Class C15"). In summary, the available evidence is currently insufficient to determine the role of this variant in disease. Therefore, it has been classified as a Variant of Uncertain Significance.

NM_000038.6(APC):c.4295C>G (p.Pro1432Arg)

Gene: APC (APC regulator of Wnt signaling pathway; plus strand). Cytogenetic location: 5q22.2.
Variant type: single nucleotide variant.
Coding change: c.4295C>G on transcript NM_000038.6 (MANE Select); coding-DNA position 4295, C replaced by G.
Protein change: p.Pro1432Arg; replaces proline 1432 with arginine.
Molecular consequence: missense variant.
Genome position (GRCh38, 1-based): chr5:112,839,889, C>G. VCF-style: chr5-112839889-C-G. GRCh37 (hg19) VCF-style: chr5-112175586-C-G.
Other names: c.4295C>G (NM_000038.5); c.4295C>G, p.Pro1432Arg (NM_001127510.3, NM_001354895.2); c.4241C>G, p.Pro1414Arg (NM_001127511.3); c.4349C>G, p.Pro1450Arg (NM_001354896.2); c.4325C>G, p.Pro1442Arg (NM_001354897.2); c.4220C>G, p.Pro1407Arg (NM_001354898.2); c.4211C>G, p.Pro1404Arg (NM_001354899.2); c.4172C>G, p.Pro1391Arg (NM_001354900.2); and 6 more; short protein forms P1149R, P1272R, P1306R, P1331R, P1341R, P1373R, P1391R, P1404R.
Identifiers: ClinVar variation 1055893 (VCV001055893.49), dbSNP rs1765644448, ClinGen allele CA16030745.
Genomic context (GRCh38, chr5:112,839,889, plus strand): 5'-GAATGGTAAGTGGCATTATAAGCCCCAGTGATCTTCCAGATAGCCCTGGACAAACCATGC[C>G]ACCAAGCAGAAGTAAAACACCTCCACCACCTCCTCAAACAGCTCAAACCAAGCGAGAAGT-3'
Protein context (NP_000029.2, residues 1422-1442): DLPDSPGQTM[Pro1432Arg]PSRSKTPPPP